The following is an entry in ClinVar:

NM_001375405.1(CEP120):c.1764-9T>C

Gene: CEP120 (centrosomal protein 120; minus strand). Cytogenetic location: 5q23.2.
Variant type: single nucleotide variant.
Coding change: c.1764-9T>C on transcript NM_001375405.1 (MANE Select); 9 bases into the intron before coding-DNA position 1764, T replaced by C.
Molecular consequence: intron variant.
Genome position (GRCh38, 1-based): chr5:123,383,091, A>G on the plus strand (T>C on the coding strand, the complement: CEP120 is on the minus strand). VCF-style: chr5-123383091-A-G. GRCh37 (hg19) VCF-style: chr5-122718785-A-G.
Other names: c.1686-9T>C (NM_001166226.2); c.1764-9T>C (NM_153223.4, NM_001375407.1, NM_153223.3); c.1191-9T>C (NM_001375408.1, NM_001375409.1); c.1629-9T>C (NM_001375406.1).
Identifiers: ClinVar variation 2039992 (VCV002039992.7), dbSNP rs369212214, ClinGen allele CA3386869.

ClinVar aggregate classification (germline): Likely benign. Review status: criteria provided, multiple submitters, no conflicts (2 of 4 stars). 3 submissions from 3 submitters: Likely benign (2). 1 of the submissions does not count toward it. Last evaluated 2025-08-28.

Conditions:
CEP120-related disorder. Also called: CEP120-Related Disorders; CEP120-related condition.
Short-rib thoracic dysplasia 13 with or without polydactyly (SRTD13). Identifiers: Orphanet 474, MedGen C4225378, MONDO:0014577, OMIM 616300.

Allele frequency attached by ClinVar (database versions not stated): gnomAD exomes 0.00002; ExAC 0.00007; ESP Exome Variant Server 0.00008; gnomAD 0.00015.
gnomAD v4.1: 50 of 1,364,062 alleles (0.0037%); highest among the groups gnomAD compares: African/African-American, 0.054%; no homozygotes.

Submissions (3):

Labcorp Genetics (formerly Invitae), Labcorp
Classification: Likely benign for Short-rib thoracic dysplasia 13 with or without polydactyly. Last evaluated: 2025-08-28. Review status: criteria provided, single submitter. Criteria: Invitae Variant Classification Sherloc (09022015). Collection method: clinical testing. Allele origin: germline.

Blueprint Genetics
Classification: Likely benign. Last evaluated: 2022-06-17. Review status: criteria provided, single submitter. Criteria: ACMG Guidelines, 2015. Collection method: clinical testing. Allele origin: germline.

PreventionGenetics, part of Exact Sciences
Classification: Likely benign for CEP120-related condition. Last evaluated: 2019-05-08. Review status: no assertion criteria provided. Collection method: clinical testing. Allele origin: germline. Not counted in ClinVar's aggregate classification.
Comment: This variant is classified as likely benign based on ACMG/AMP sequence variant interpretation guidelines (Richards et al. 2015 PMID: 25741868, with internal and published modifications).